The following is an entry in ClinVar:

ClinVar aggregate classification (germline): Likely pathogenic (1 of 4 stars; one submission).

Submission:

Quest Diagnostics Nichols Institute San Juan Capistrano
Classification: Likely pathogenic. Last evaluated: 2024-06-04. Review status: criteria provided, single submitter. Criteria: ACMG/ClinGen CNV Guidelines, 2019. Collection method: clinical testing. Allele origin: unknown.
Comment: This copy number gain represents the 16p13.11 BP2-BP3 duplication region (ISCA-37415), which is associated with a range of phenotypes (Hamad 2023, Stefansson 2014). Duplications of 16p13.11 were found to be enriched in patients versus controls, with some exceptions (El Khattabi 2020, Kaminsky 2011, Tropeano 2013). Thus, this copy number variant (CNV) is classified as likely pathogenic. References: El Khattabi et al., J Med Genet. 2020 May;57(5):301-307. PMID: 30287593; Hamad et al., Eur J Med Genet. 2023 Apr;66(4):104714. PMID: 36724812; Kaminsky et al., Genet Med. 2011 Sep;13(9):777-84. PMID: 21844811; Stefansson et al., Nature. 2014 Jan 16;505(7483):361-6. PMID: 24352232; Tropeano et al., PLoS One. 2013 Apr 18;8(4):e61365. PMID: 23637818

GRCh37/hg19 16p13.11(chr16:15507899-16388359)x3

Genes: ABCC1 (ATP binding cassette subfamily C member 1 (ABCC1 blood group); plus strand), ABCC6 (ATP binding cassette subfamily C member 6; minus strand), BMERB1 (bMERB domain containing 1; plus strand), CEP20 (centrosomal protein 20; minus strand), MARF1 (meiosis regulator and mRNA stability factor 1; minus strand) and 3 more. Cytogenetic location: 16p13.11.
Variant type: copy number gain.
Change: copy number 3 (three copies instead of two) of chr16:15,507,899-16,388,359 (880.5 kb, GRCh37 coordinates, 1-based), cytogenetic band 16p13.11.
Identifiers: ClinVar variation 2684793 (VCV002684793.1).